The following is an entry in ClinVar:

ClinVar aggregate classification (germline): Pathogenic. Review status: criteria provided, multiple submitters, no conflicts (2 of 4 stars). 3 submissions from 3 submitters: Pathogenic (3). Last evaluated 2024-10-25.

Conditions:
Deficiency of alpha-mannosidase (MANSA). Also called: Mannosidosis, alpha-, types I and II; Alpha-Mannosidosis; LYSOSOMAL ALPHA-D-MANNOSIDASE DEFICIENCY. Identifiers: Orphanet 61, MedGen C0024748, MONDO:0009561, OMIM 248500.

Submissions (3):

Natera, Inc.
Classification: Pathogenic for Alpha-mannosidosis. Last evaluated: 2024-10-25. Review status: criteria provided, single submitter. Criteria: Natera Variant Classification Schema (03/2026). Collection method: clinical testing. Allele origin: germline.
Comment: The c.965_966delAT variant in MAN2B1 is a frameshift variant predicted to shift the reading frame and introduce a stop codon. This variant is expected to result in nonsense mediated decay, truncation, or a dysfunctional protein product. This variant is rare in the general population with a frequency below the threshold expected for the associated phenotype(s). This variant has been observed in one or more individuals affected with the associated recessive disease, as either homozygous or compound heterozygous with a second variant (PMID: 9915946). Given the available evidence, this variant is classified as Pathogenic.

Fulgent Genetics
Classification: Pathogenic for Deficiency of alpha-mannosidase. Last evaluated: 2024-04-22. Review status: criteria provided, single submitter. Criteria: ACMG Guidelines, 2015. Collection method: clinical testing. Allele origin: germline.

Labcorp Genetics (formerly Invitae), Labcorp
Classification: Pathogenic for Deficiency of alpha-mannosidase. Last evaluated: 2023-01-09. Review status: criteria provided, single submitter. Criteria: Invitae Variant Classification Sherloc (09022015). Collection method: clinical testing. Allele origin: germline.
Comment: For these reasons, this variant has been classified as Pathogenic. This premature translational stop signal has been observed in individual(s) with alpha-mannosidosis (PMID: 9915946). This variant is present in population databases (rs778131120, gnomAD 0.002%). This sequence change creates a premature translational stop signal (p.Tyr322*) in the MAN2B1 gene. It is expected to result in an absent or disrupted protein product. Loss-of-function variants in MAN2B1 are known to be pathogenic (PMID: 9915946, 22161967).

Literature cited by the submitters: PubMed 9915946 (cited by Natera, Inc. and Labcorp Genetics (formerly Invitae), Labcorp); PubMed 22161967 (cited by Labcorp Genetics (formerly Invitae), Labcorp).

NM_000528.4(MAN2B1):c.965_966del (p.Gln321_Tyr322insTer)

Gene: MAN2B1 (mannosidase alpha class 2B member 1; minus strand). Cytogenetic location: 19p13.13.
Variant type: Microsatellite.
Coding change: c.965_966del on transcript NM_000528.4 (MANE Select); coding-DNA positions 965 to 966, 2 bases deleted (AT; older notation c.965_966delAT).
Protein change: p.Gln321_Tyr322insTer.
Molecular consequence: nonsense.
Genome position (GRCh38, 1-based): chr19:12,661,320-12,661,321, AT deleted on the plus strand (AT on the coding strand, the reverse complement: MAN2B1 is on the minus strand); deleting any 2 consecutive bases within chr19:12,661,320-12,661,323 gives the same sequence; the c. name uses the placement nearest the transcript's 3' end. VCF-style (leftmost placement, unchanged base first): chr19-12661319-CAT-C. GRCh37 (hg19) VCF-style: chr19-12772133-CAT-C.
Other names: c.965_966delAT (NM_000528.3); c.965_966del, p.Gln321_Tyr322insTer (NM_001173498.2).
Identifiers: ClinVar variation 1404053 (VCV001404053.10), dbSNP rs778131120, ClinGen allele CA9226647.
Genomic context (GRCh38, chr19:12,661,319, plus strand): 5'-CCTGCGCATTTACCAGCCGGATGAGCTTGTCAAGGTTCTTGAACCACATGTTGGCATTCT[CAT>C]ATTGGAAGTCCGAGCCCATGGTCATCACAGTGTGGTTGGTGCGGTAATACCGGCCCTGCA-3'